The following is an entry in ClinVar:

ClinVar aggregate classification (germline): Uncertain significance (1 of 4 stars; one submission).

gnomAD v4.1: 2 of 1,547,062 alleles (0.00013%); highest among the groups gnomAD compares: Non-Finnish European, 0.00017%; no homozygotes.

Submission:

Labcorp Genetics (formerly Invitae), Labcorp
Classification: Uncertain significance. Last evaluated: 2024-04-25. Review status: criteria provided, single submitter. Criteria: Invitae Variant Classification Sherloc (09022015). Collection method: clinical testing. Allele origin: germline.
Comment: This sequence change replaces glycine, which is neutral and non-polar, with arginine, which is basic and polar, at codon 269 of the PRDM13 protein (p.Gly269Arg). This variant is not present in population databases (gnomAD no frequency). This variant has not been reported in the literature in individuals affected with PRDM13-related conditions. An algorithm developed to predict the effect of missense changes on protein structure and function (PolyPhen-2) suggests that this variant is likely to be disruptive. In summary, the available evidence is currently insufficient to determine the role of this variant in disease. Therefore, it has been classified as a Variant of Uncertain Significance.

NM_021620.4(PRDM13):c.805G>A (p.Gly269Arg)

Gene: PRDM13 (PR/SET domain 13; plus strand). Cytogenetic location: 6q16.2.
Variant type: single nucleotide variant.
Coding change: c.805G>A on transcript NM_021620.4 (MANE Select); coding-DNA position 805, G replaced by A.
Protein change: p.Gly269Arg; replaces glycine 269 with arginine.
Molecular consequence: missense variant.
Genome position (GRCh38, 1-based): chr6:99,613,440, G>A. VCF-style: chr6-99613440-G-A. GRCh37 (hg19) VCF-style: chr6-100061316-G-A.
Other names: short protein forms G269R.
Identifiers: ClinVar variation 3687881 (VCV003687881.2).
Genomic context (GRCh38, chr6:99,613,440, plus strand): 5'-AAGAAGGGCAAGGAGCAGCTGGACCGTGCCCTGGACATGAGCGGAGCCGCCCGAGGACAA[G>A]GGCACTTCCTCGGCATCGTGGGCGGCTCCTCGGCGGGGGTCGGCAGCCTGGCTTTCTACC-3'
Protein context (NP_067633.2, residues 259-279): LDMSGAARGQ[Gly269Arg]HFLGIVGGSS